The following is an entry in ClinVar:

NM_015102.5(NPHP4):c.2965G>A (p.Glu989Lys)

Gene: NPHP4 (nephrocystin 4; minus strand). Cytogenetic location: 1p36.31.
Variant type: single nucleotide variant.
Coding change: c.2965G>A on transcript NM_015102.5 (MANE Select); coding-DNA position 2965, G replaced by A.
Protein change: p.Glu989Lys; replaces glutamic acid 989 with lysine.
Molecular consequence: missense variant. On other transcripts: non-coding transcript variant (1).
Genome position (GRCh38, 1-based): chr1:5,874,953, C>T on the plus strand (G>A on the coding strand, the complement: NPHP4 is on the minus strand). VCF-style: chr1-5874953-C-T. GRCh37 (hg19) VCF-style: chr1-5935013-C-T.
Other names: c.1426G>A, p.Glu476Lys (NM_001291593.2); c.1429G>A, p.Glu477Lys (NM_001291594.2); short protein forms E989K, E476K, E477K.
Identifiers: ClinVar variation 195608 (VCV000195608.33), dbSNP rs116606479, ClinGen allele CA242083.

ClinVar aggregate classification (germline): Conflicting classifications of pathogenicity. Review status: criteria provided, conflicting classifications (1 of 4 stars). 14 submissions from 13 submitters: Uncertain significance (6); Likely benign (4). 4 of the submissions do not count toward it. Last evaluated 2025-12-30.

Conditions:
Nephronophthisis 4 (NPHP4). Also called: NEPHRONOPHTHISIS 4, JUVENILE. Identifiers: Orphanet 655, MedGen C1847013, MONDO:0011752, OMIM 606966.
Senior-Loken syndrome 4 (SLSN4). Identifiers: Orphanet 3156, MedGen C1846979, MONDO:0011756, OMIM 606996.
Focal segmental glomerulosclerosis (FSGS). Also called: Glomerulosclerosis, focal; Focal sclerosis with hyalinosis. Identifiers: MedGen C0017668, MONDO:0100313, HP:0000097. Disease mechanism: loss of function.
NPHP4-related disorder. Also called: NPHP4-related condition; NPHP4-related disorders. Identifiers: MedGen CN239384.
Nephronophthisis. Also called: Juvenile Nephronophthisis. Identifiers: Orphanet 655, MedGen C0687120, MONDO:0019005, HP:0000090.

Allele frequency attached by ClinVar (database versions not stated): gnomAD exomes 0.00025 and 0.00043; 1000 Genomes Project 30x 0.00031; 1000 Genomes Project 0.00040; ExAC 0.00042; gnomAD 0.00062 and 0.00068; ESP Exome Variant Server 0.00078; TOPMed 0.00083.
gnomAD v4.1: 475 of 1,613,458 alleles (0.029%); highest among the groups gnomAD compares: Middle Eastern, 0.3%; 1 homozygote.

Submissions (14):

Labcorp Genetics (formerly Invitae), Labcorp
Classification: Likely benign for Nephronophthisis. Last evaluated: 2025-12-30. Review status: criteria provided, single submitter. Criteria: Invitae Variant Classification Sherloc (09022015). Collection method: clinical testing. Allele origin: germline.

PreventionGenetics, part of Exact Sciences
Classification: Likely benign for NPHP4-related condition. Last evaluated: 2025-02-17. Review status: criteria provided, single submitter. Criteria: ACMG Guidelines, 2015. Collection method: clinical testing. Allele origin: germline.
Comment: This variant is classified as likely benign based on ACMG/AMP sequence variant interpretation guidelines (Richards et al. 2015 PMID: 25741868, with internal and published modifications).

Blueprint Genetics
Classification: Likely benign. Last evaluated: 2024-10-09. Review status: criteria provided, single submitter. Criteria: ACMG Guidelines, 2015. Collection method: clinical testing. Allele origin: germline.

Dasa
Classification: Likely benign. Last evaluated: 2024-09-03. Review status: criteria provided, single submitter. Criteria: DASA Assertion Criteria. Collection method: clinical testing. Allele origin: germline.
Comment: NM_015102.5(NPHP4):c.2965G>A (p.Glu989Lys) is a missense variant that results in the substitution of glutamic acid with lysine. Multiple computational predictions support a deleterious effect on the gene or gene product. Based on the available data, this variant is classified as likely benign.

Clinical Genomics Laboratory, Stanford Medicine
Classification: Uncertain significance for Focal segmental glomerulosclerosis; Nephronophthisis 4; Senior-Loken syndrome 4. Last evaluated: 2023-08-15. Review status: criteria provided, single submitter. Criteria: ACMG Guidelines, 2015. Collection method: clinical testing. Allele origin: germline. Observed: 1 variant allele, 1 heterozygote.

GeneDx
Classification: Uncertain significance. Last evaluated: 2022-10-04. Review status: criteria provided, single submitter. Criteria: GeneDx Variant Classification Process June 2021. Collection method: clinical testing. Allele origin: germline. Affected: yes.
Comment: In silico analysis supports that this missense variant has a deleterious effect on protein structure/function; This variant is associated with the following publications: (PMID: 32865313)

Baylor Genetics
Classification: Uncertain significance for Nephronophthisis 4. Last evaluated: 2022-01-15. Review status: criteria provided, single submitter. Criteria: ACMG Guidelines, 2015. Collection method: clinical testing. Allele origin: unknown.

Eurofins Ntd Llc (ga)
Classification: Uncertain significance. Last evaluated: 2018-03-15. Review status: criteria provided, single submitter. Criteria: EGL ClinVar v180209 classification definitions. Collection method: clinical testing. Allele origin: germline. Observed: 12 variant alleles, 12 heterozygotes.

Illumina Laboratory Services, Illumina
Classification: Uncertain significance for Senior-Loken syndrome 4. Last evaluated: 2018-01-12. Review status: criteria provided, single submitter. Criteria: ICSL Variant Classification Criteria 13 December 2019. Collection method: clinical testing. Allele origin: germline.

Illumina Laboratory Services, Illumina
Classification: Uncertain significance for Nephronophthisis 4. Last evaluated: 2018-01-12. Review status: criteria provided, single submitter. Criteria: ICSL Variant Classification Criteria 13 December 2019. Collection method: clinical testing. Allele origin: germline.

Sydney Genome Diagnostics, Children's Hospital Westmead
Classification: Uncertain significance for Nephronophthisis. Last evaluated: 2018-07-20. Review status: no assertion criteria provided. Collection method: clinical testing. Allele origin: unknown. Affected: yes. Observed: 1 variant allele, 1 heterozygote. Not counted in ClinVar's aggregate classification.

Clinical Genetics DNA and cytogenetics Diagnostics Lab, Erasmus MC, Erasmus Medical Center
Classification: Uncertain significance. Review status: no assertion criteria provided. Collection method: clinical testing. Allele origin: germline. Affected: yes. Study: VKGL Data-share Consensus. Not counted in ClinVar's aggregate classification.

Department of Pathology and Laboratory Medicine, Sinai Health System
Classification: Uncertain significance. Review status: no assertion criteria provided. Collection method: clinical testing. Allele origin: unknown. Affected: yes. Study: The Canadian Open Genetics Repository (COGR). Not counted in ClinVar's aggregate classification.
Comment: The NPHP4 p.Glu989Lys variant was not identified in the literature nor was it identified in Cosmic. The variant was identified in dbSNP (ID: rs116606479), ClinVar (classified as a VUS by Invitae, EGL Genetics, GeneDx and Illumina), and in LOVD 3.0 (variant is listed as likely benign). The variant was also identified in control databases in 125 of 280094 chromosomes at a frequency of 0.000446 increasing the likelihood this could be a low frequency benign variant (Genome Aggregation Database Feb 27, 2017). The variant was observed in the following populations: African in 50 of 24192 chromosomes (freq: 0.002067), Other in 8 of 7136 chromosomes (freq: 0.001121), South Asian in 17 of 30602 chromosomes (freq: 0.000556), Latino in 17 of 35368 chromosomes (freq: 0.000481), European (non-Finnish) in 31 of 128312 chromosomes (freq: 0.000242) and East Asian in 2 of 19532 chromosomes (freq: 0.000102), but not in the Ashkenazi Jewish, and European (Finnish) populations. The variant occurs outside of the splicing consensus sequence and in silico or computational prediction software programs (SpliceSiteFinder, MaxEntScan, NNSPLICE, GeneSplicer) do not predict a difference in splicing. The p.Glu989 residue is conserved in mammals and computational analyses (PolyPhen-2, SIFT, AlignGVGD, BLOSUM, MutationTaster) provide inconsistent predictions regarding the impact to the protein; this information is not very predictive of pathogenicity. In summary, based on the above information the clinical significance of this variant cannot be determined with certainty at this time. This variant is classified as a variant of uncertain significance.

Diagnostic Laboratory, Department of Genetics, University Medical Center Groningen
Classification: Uncertain significance. Review status: no assertion criteria provided. Collection method: clinical testing. Allele origin: germline. Affected: yes. Study: VKGL Data-share Consensus. Not counted in ClinVar's aggregate classification.